The following is an entry in ClinVar:

NM_001040142.2(SCN2A):c.1772A>G (p.Asn591Ser)

Gene: SCN2A (sodium voltage-gated channel alpha subunit 2; plus strand). Cytogenetic location: 2q24.3.
Variant type: single nucleotide variant.
Coding change: c.1772A>G on transcript NM_001040142.2 (MANE Select); coding-DNA position 1772, A replaced by G.
Protein change: p.Asn591Ser; replaces asparagine 591 with serine.
Molecular consequence: missense variant.
Genome position (GRCh38, 1-based): chr2:165,323,256, A>G. VCF-style: chr2-165323256-A-G. GRCh37 (hg19) VCF-style: chr2-166179766-A-G.
Other names: c.1772A>G, p.Asn591Ser (NM_001040143.2, NM_001371246.1, NM_001371247.1 and 1 more transcripts); short protein forms N591S.
Identifiers: ClinVar variation 4529937 (VCV004529937.1).

ClinVar aggregate classification (germline): Uncertain significance (1 of 4 stars; one submission).

Submission:

GeneDx
Classification: Uncertain significance. Last evaluated: 2025-05-11. Review status: criteria provided, single submitter. Criteria: GeneDx Variant Classification Process June 2021. Collection method: clinical testing. Allele origin: germline. Affected: yes.
Comment: Not observed at significant frequency in large population cohorts (gnomAD); In silico analysis supports that this missense variant has a deleterious effect on protein structure/function; Has not been previously published as pathogenic or benign to our knowledge; This substitution is predicted to be in the cytoplasmic loop between the first and second homologous domains